The following is an entry in ClinVar:

ClinVar aggregate classification (germline): Likely benign (1 of 4 stars; one submission).

Submission:

CeGaT Center for Human Genetics Tuebingen
Classification: Likely benign. Last evaluated: 2025-07-01. Review status: criteria provided, single submitter. Criteria: CeGaT Center For Human Genetics Tuebingen Variant Classification Criteria Version 2. Collection method: clinical testing. Allele origin: germline. Affected: yes. Observed: 2 variant alleles.
Comment: GNAS: BS2

NM_080425.4(GNAS):c.2069-5457AGA[2]

Gene: GNAS (GNAS complex locus; plus strand). Cytogenetic location: 20q13.32.
Variant type: Microsatellite.
Coding change: c.2069-5457AGA[2] on transcript NM_080425.4 (MANE Plus Clinical); two copies in a row of the 3-base unit AGA starting at c.2069-5457.
Molecular consequence: intron variant.
Genome position: GRCh38 VCF-style: chr20-58890154-GAGA-G. GRCh37 (hg19) VCF-style: chr20-57465209-GAGA-G.
Other names: c.*43-5457AGA[2] (NM_016592.5); c.44-5457AGA[2] (NM_001410912.1); c.-38-5457AGA[2] (NM_001309861.2); c.*1-5457AGA[2] (NM_001077490.3); c.2069-5457AGA[2] (NM_001410913.1); c.*159-5457AGA[2] (NM_001309883.1); c.-39+802AGA[2] (NM_001438273.1, NM_001309840.2); c.-39+823AGA[2] (NM_001439291.1, NM_001438274.1).
Identifiers: ClinVar variation 2652442 (VCV002652442.22), dbSNP rs1424347512, ClinGen allele CA636224679.